The following is an entry in ClinVar:

ClinVar aggregate classification (germline): Uncertain significance (1 of 4 stars; one submission).

Conditions:
MAP1B-related disorder. Also called: MAP1B-related condition.

gnomAD v4.1: 20 of 1,614,182 alleles (0.0012%); highest among the groups gnomAD compares: South Asian, 0.0022%; no homozygotes.

Submission:

PreventionGenetics, part of Exact Sciences
Classification: Uncertain significance for MAP1B-related condition. Last evaluated: 2026-07-23. Review status: criteria provided, single submitter. Criteria: ACMG Guidelines, 2015. Collection method: clinical testing. Allele origin: germline.
Comment: The MAP1B c.5515G>A variant is predicted to result in the amino acid substitution p.Asp1839Asn. To our knowledge, this variant has not been reported in the literature. This variant is reported in 0.0065% of alleles in individuals of South Asian descent in gnomAD. At this time, the clinical significance of this variant is uncertain due to the absence of conclusive functional and genetic evidence.

NM_005909.5(MAP1B):c.5515G>A (p.Asp1839Asn)

Gene: MAP1B (microtubule associated protein 1B; plus strand). Cytogenetic location: 5q13.2.
Variant type: single nucleotide variant.
Coding change: c.5515G>A on transcript NM_005909.5 (MANE Select); coding-DNA position 5515, G replaced by A.
Protein change: p.Asp1839Asn; replaces aspartic acid 1839 with asparagine.
Molecular consequence: missense variant.
Genome position (GRCh38, 1-based): chr5:72,198,870, G>A. VCF-style: chr5-72198870-G-A. GRCh37 (hg19) VCF-style: chr5-71494697-G-A.
Other names: c.5137G>A, p.Asp1713Asn (NM_001324255.2); short protein forms D1839N, D1713N.
Identifiers: ClinVar variation 4984620 (VCV004984620.1).